The following is an entry in ClinVar:

NM_005228.5(EGFR):c.2030G>A (p.Arg677His)

Gene: EGFR (epidermal growth factor receptor; plus strand). Cytogenetic location: 7p11.2.
Variant type: single nucleotide variant.
Coding change: c.2030G>A on transcript NM_005228.5 (MANE Select); coding-DNA position 2030, G replaced by A.
Protein change: p.Arg677His; replaces arginine 677 with histidine.
Molecular consequence: missense variant.
Genome position (GRCh38, 1-based): chr7:55,173,093, G>A. VCF-style: chr7-55173093-G-A. GRCh37 (hg19) VCF-style: chr7-55240786-G-A.
Other names: c.1895G>A, p.Arg632His (NM_001346897.2, NM_001346899.2); c.2030G>A, p.Arg677His (NM_001346898.2); c.1871G>A, p.Arg624His (NM_001346900.2); c.1229G>A, p.Arg410His (NM_001346941.2); short protein forms R677H, R410H, R624H, R632H.
Identifiers: ClinVar variation 940513 (VCV000940513.8), dbSNP rs756870976, ClinGen allele CA4265945.

ClinVar aggregate classification (germline): Uncertain significance. Review status: criteria provided, multiple submitters, no conflicts (2 of 4 stars). 2 submissions from 2 submitters: Uncertain significance (2). Last evaluated 2026-01-12.

Conditions:
Hereditary cancer-predisposing syndrome. Also called: Hereditary neoplastic syndrome; Neoplastic Syndromes, Hereditary; Tumor predisposition; Hereditary Cancer Syndrome. Identifiers: Orphanet 140162, MedGen C0027672, MeSH D009386, MONDO:0015356.
EGFR-related lung cancer (EGFR). Identifiers: MedGen CN130014.

Allele frequency attached by ClinVar (database versions not stated): ExAC 0.00002; gnomAD exomes 0.00003; TOPMed 0.00004; gnomAD 0.00005.
gnomAD v4.1: 38 of 1,612,200 alleles (0.0024%); highest among the groups gnomAD compares: African/African-American, 0.004%; no homozygotes.

Submissions (2):

Labcorp Genetics (formerly Invitae), Labcorp
Classification: Uncertain significance for EGFR-related lung cancer. Last evaluated: 2026-01-12. Review status: criteria provided, single submitter. Criteria: Invitae Variant Classification Sherloc (09022015). Collection method: clinical testing. Allele origin: germline.
Comment: This sequence change replaces arginine, which is basic and polar, with histidine, which is basic and polar, at codon 677 of the EGFR protein (p.Arg677His). The frequency data for this variant in the population databases is considered unreliable, as metrics indicate poor data quality at this position in the gnomAD database. This variant has not been reported in the literature in individuals affected with EGFR-related conditions. ClinVar contains an entry for this variant (Variation ID: 940513). Invitae Evidence Modeling of protein sequence and biophysical properties (such as structural, functional, and spatial information, amino acid conservation, physicochemical variation, residue mobility, and thermodynamic stability) indicates that this missense variant is not expected to disrupt EGFR protein function with a negative predictive value of 80%. In summary, the available evidence is currently insufficient to determine the role of this variant in disease. Therefore, it has been classified as a Variant of Uncertain Significance.

Ambry Genetics
Classification: Uncertain significance for Hereditary cancer-predisposing syndrome. Last evaluated: 2024-12-23. Review status: criteria provided, single submitter. Criteria: Ambry Variant Classification Scheme 2023. Collection method: clinical testing. Allele origin: germline.
Comment: The p.R677H variant (also known as c.2030G>A), located in coding exon 17 of the EGFR gene, results from a G to A substitution at nucleotide position 2030. The arginine at codon 677 is replaced by histidine, an amino acid with highly similar properties. This amino acid position is highly conserved in available vertebrate species. In addition, the in silico prediction for this alteration is inconclusive. Based on the available evidence, the clinical significance of this variant remains unclear.